The following is an entry in ClinVar:

ClinVar aggregate classification (germline): Uncertain significance. Review status: criteria provided, multiple submitters, no conflicts (2 of 4 stars). 2 submissions from 2 submitters: Uncertain significance (2). Last evaluated 2025-10-22.

Conditions:
Pulmonary hypertension, primary, 4. Identifiers: Orphanet 422, MedGen C3809198, MONDO:0014136, OMIM 615344.

Allele frequency attached by ClinVar (database versions not stated): gnomAD 0.00002 and 0.00003; gnomAD exomes 0.00002; TOPMed 0.00002.
gnomAD v4.1: 14 of 1,464,194 alleles (0.00096%); highest among the groups gnomAD compares: Non-Finnish European, 0.0013%; no homozygotes.

Submissions (2):

Labcorp Genetics (formerly Invitae), Labcorp
Classification: Uncertain significance for Pulmonary hypertension, primary, 4. Last evaluated: 2025-10-22. Review status: criteria provided, single submitter. Criteria: Invitae Variant Classification Sherloc (09022015). Collection method: clinical testing. Allele origin: germline.
Comment: This sequence change replaces methionine, which is neutral and non-polar, with valine, which is neutral and non-polar, at codon 388 of the KCNK3 protein (p.Met388Val). The frequency data for this variant in the population databases is considered unreliable, as metrics indicate poor data quality at this position in the gnomAD database. This variant has not been reported in the literature in individuals affected with KCNK3-related conditions. ClinVar contains an entry for this variant (Variation ID: 1023521). An algorithm developed to predict the effect of missense changes on protein structure and function (PolyPhen-2) suggests that this variant is likely to be tolerated. In summary, the available evidence is currently insufficient to determine the role of this variant in disease. Therefore, it has been classified as a Variant of Uncertain Significance.

Fulgent Genetics
Classification: Uncertain significance for Pulmonary hypertension, primary, 4. Last evaluated: 2021-07-12. Review status: criteria provided, single submitter. Criteria: ACMG Guidelines, 2015. Collection method: clinical testing. Allele origin: unknown.

NM_002246.3(KCNK3):c.1162A>G (p.Met388Val)

Gene: KCNK3 (potassium two pore domain channel subfamily K member 3; plus strand). Cytogenetic location: 2p23.3.
Variant type: single nucleotide variant.
Coding change: c.1162A>G on transcript NM_002246.3 (MANE Select); coding-DNA position 1162, A replaced by G.
Protein change: p.Met388Val; replaces methionine 388 with valine.
Molecular consequence: missense variant.
Genome position (GRCh38, 1-based): chr2:26,728,545, A>G. VCF-style: chr2-26728545-A-G. GRCh37 (hg19) VCF-style: chr2-26951413-A-G.
Other names: short protein forms M388V.
Identifiers: ClinVar variation 1023521 (VCV001023521.9), dbSNP rs924076295, ClinGen allele CA44398371.